The following is an entry in ClinVar:

NM_001365536.1(SCN9A):c.23G>C (p.Gly8Ala)

Gene: SCN9A (sodium voltage-gated channel alpha subunit 9; minus strand). Cytogenetic location: 2q24.3.
Variant type: single nucleotide variant.
Coding change: c.23G>C on transcript NM_001365536.1 (MANE Select); coding-DNA position 23, G replaced by C.
Protein change: p.Gly8Ala; replaces glycine 8 with alanine.
Molecular consequence: missense variant.
Genome position (GRCh38, 1-based): chr2:166,311,734, C>G on the plus strand (G>C on the coding strand, the complement: SCN9A is on the minus strand). VCF-style: chr2-166311734-C-G. GRCh37 (hg19) VCF-style: chr2-167168244-C-G.
Other names: c.23G>C, p.Gly8Ala (NM_002977.4); short protein forms G8A.
Identifiers: ClinVar variation 471098 (VCV000471098.12), dbSNP rs747772882, ClinGen allele CA1944904.

ClinVar aggregate classification (germline): Uncertain significance. Review status: criteria provided, multiple submitters, no conflicts (2 of 4 stars). 3 submissions from 3 submitters: Uncertain significance (3). Last evaluated 2025-01-01.

Conditions:
Inborn genetic diseases. Identifiers: MedGen C0950123, MeSH D030342.
Neuropathy, hereditary sensory and autonomic, type 2A (HSAN2A). Also called: WNK1-Related HSAN2 (HSAN2A); ACROOSTEOLYSIS, GIACCAI TYPE; ACROOSTEOLYSIS, NEUROGENIC; MORVAN DISEASE; NEUROPATHY, CONGENITAL SENSORY; NEUROPATHY, HEREDITARY SENSORY RADICULAR, AUTOSOMAL RECESSIVE. Identifiers: Orphanet 970, MedGen C2752089, MONDO:0024309, OMIM 201300.
Generalized epilepsy with febrile seizures plus, type 7 (GEFSP7). Also called: GEFS+, TYPE 7. Identifiers: Orphanet 36387, MedGen C2751778, MONDO:0013470, OMIM 613863.

Allele frequency attached by ClinVar (database versions not stated): gnomAD 0.00001; ExAC 0.00002; TOPMed 0.00002; gnomAD exomes 0.00004.
gnomAD v4.1: 27 of 1,603,714 alleles (0.0017%); highest among the groups gnomAD compares: Admixed American, 0.0067%; no homozygotes.

Submissions (3):

Labcorp Genetics (formerly Invitae), Labcorp
Classification: Uncertain significance for Neuropathy, hereditary sensory and autonomic, type 2A; Generalized epilepsy with febrile seizures plus, type 7. Last evaluated: 2025-01-01. Review status: criteria provided, single submitter. Criteria: Invitae Variant Classification Sherloc (09022015). Collection method: clinical testing. Allele origin: germline.
Comment: This sequence change replaces glycine, which is neutral and non-polar, with alanine, which is neutral and non-polar, at codon 8 of the SCN9A protein (p.Gly8Ala). This variant is present in population databases (rs747772882, gnomAD 0.006%). This variant has not been reported in the literature in individuals affected with SCN9A-related conditions. ClinVar contains an entry for this variant (Variation ID: 471098). Invitae Evidence Modeling of protein sequence and biophysical properties (such as structural, functional, and spatial information, amino acid conservation, physicochemical variation, residue mobility, and thermodynamic stability) has been performed for this missense variant. However, the output from this modeling did not meet the statistical confidence thresholds required to predict the impact of this variant on SCN9A protein function. In summary, the available evidence is currently insufficient to determine the role of this variant in disease. Therefore, it has been classified as a Variant of Uncertain Significance.

Blueprint Genetics
Classification: Uncertain significance. Last evaluated: 2024-07-08. Review status: criteria provided, single submitter. Criteria: ACMG Guidelines, 2015. Collection method: clinical testing. Allele origin: germline.

Ambry Genetics
Classification: Uncertain significance for Inborn genetic diseases. Last evaluated: 2023-12-19. Review status: criteria provided, single submitter. Criteria: Ambry Variant Classification Scheme 2023. Collection method: clinical testing. Allele origin: germline.